The following is an entry in ClinVar:

ClinVar aggregate classification (germline): Likely benign (1 of 4 stars; one submission).

gnomAD v4.1: 1 of 1,614,182 alleles (0.000062%); highest among the groups gnomAD compares: Non-Finnish European, 0.000085%; no homozygotes.

Submission:

Women's Health and Genetics/Laboratory Corporation of America, LabCorp
Classification: Likely benign. Last evaluated: 2025-12-28. Review status: criteria provided, single submitter. Criteria: LabCorp Variant Classification Summary - May 2015. Collection method: clinical testing. Allele origin: germline.
Comment: Variant summary: BBS2 c.915A>G alters a conserved nucleotide resulting in a synonymous change. Consensus agreement among computation tools predict no significant impact on normal splicing. However, these predictions have yet to be confirmed by functional studies. The variant allele was found at a frequency of 4e-06 in 251452 control chromosomes. The available data on variant occurrences in the general population are insufficient to allow any conclusion about variant significance. To our knowledge, no occurrence of c.915A>G in individuals affected with BBS2-related conditions and no experimental evidence demonstrating its impact on protein function have been reported. No submitters have cited clinical-significance assessments for this variant to ClinVar. Based on the evidence outlined above, the variant was classified as likely benign.

NM_031885.5(BBS2):c.915A>G (p.Leu305=)

Gene: BBS2 (Bardet-Biedl syndrome 2; minus strand). Cytogenetic location: 16q13.
Variant type: single nucleotide variant.
Coding change: c.915A>G on transcript NM_031885.5 (MANE Select); coding-DNA position 915, A replaced by G.
Protein change: p.Leu305=; no amino-acid change (leucine 305 retained).
Molecular consequence: synonymous variant. On other transcripts: non-coding transcript variant (5).
Genome position (GRCh38, 1-based): chr16:56,502,698, T>C on the plus strand (A>G on the coding strand, the complement: BBS2 is on the minus strand). VCF-style: chr16-56502698-T-C. GRCh37 (hg19) VCF-style: chr16-56536610-T-C.
Other names: c.915A>G, p.Leu305= (NM_001377456.1).
Identifiers: ClinVar variation 4688766 (VCV004688766.1).